The following is an entry in ClinVar:

ClinVar aggregate classification (germline): Uncertain significance (1 of 4 stars; one submission).

Conditions:
Peroxisome biogenesis disorder, complementation group 7 (CG7). Also called: Peroxisome biogenesis disorder, complementation group B. Identifiers: MedGen C1864399.

Allele frequency attached by ClinVar (database versions not stated): TOPMed below 0.00001; gnomAD 0.00001.

Submission:

Labcorp Genetics (formerly Invitae), Labcorp
Classification: Uncertain significance for Peroxisome biogenesis disorder, complementation group 7. Last evaluated: 2022-10-17. Review status: criteria provided, single submitter. Criteria: Invitae Variant Classification Sherloc (09022015). Collection method: clinical testing. Allele origin: germline.
Comment: This sequence change replaces glycine, which is neutral and non-polar, with glutamic acid, which is acidic and polar, at codon 228 of the PEX10 protein (p.Gly228Glu). This variant is not present in population databases (gnomAD no frequency). This variant has not been reported in the literature in individuals affected with PEX10-related conditions. ClinVar contains an entry for this variant (Variation ID: 1009628). Algorithms developed to predict the effect of missense changes on protein structure and function are either unavailable or do not agree on the potential impact of this missense change (SIFT: "Tolerated"; PolyPhen-2: "Possibly Damaging"; Align-GVGD: "Class C0"). In summary, the available evidence is currently insufficient to determine the role of this variant in disease. Therefore, it has been classified as a Variant of Uncertain Significance.

NM_002617.4(PEX10):c.623G>A (p.Gly208Glu)

Gene: PEX10 (peroxisomal biogenesis factor 10; minus strand). Cytogenetic location: 1p36.32.
Variant type: single nucleotide variant.
Coding change: c.623G>A on transcript NM_002617.4 (MANE Select); coding-DNA position 623, G replaced by A.
Protein change: p.Gly208Glu; replaces glycine 208 with glutamic acid.
Molecular consequence: missense variant. On other transcripts: non-coding transcript variant (1).
Genome position (GRCh38, 1-based): chr1:2,406,873, C>T on the plus strand (G>A on the coding strand, the complement: PEX10 is on the minus strand). VCF-style: chr1-2406873-C-T. GRCh37 (hg19) VCF-style: chr1-2338312-C-T.
Other names: c.191G>A, p.Gly64Glu (NM_001374427.1); c.680G>A, p.Gly227Glu (NM_001374425.1); c.248G>A, p.Gly83Glu (NM_001374426.1); c.683G>A, p.Gly228Glu (NM_153818.2); short protein forms G208E, G227E, G228E, G64E, G83E.
Identifiers: ClinVar variation 1009628 (VCV001009628.2), dbSNP rs753300436, ClinGen allele CA337985706.